The following is an entry in ClinVar:

NM_001384732.1(CPLANE1):c.2054T>G (p.Leu685Arg)

Gene: CPLANE1 (ciliogenesis and planar polarity effector complex subunit 1; minus strand). Cytogenetic location: 5p13.2.
Variant type: single nucleotide variant.
Coding change: c.2054T>G on transcript NM_001384732.1 (MANE Select); coding-DNA position 2054, T replaced by G.
Protein change: p.Leu685Arg; replaces leucine 685 with arginine.
Molecular consequence: missense variant.
Genome position (GRCh38, 1-based): chr5:37,226,541, A>C on the plus strand (T>G on the coding strand, the complement: CPLANE1 is on the minus strand). VCF-style: chr5-37226541-A-C. GRCh37 (hg19) VCF-style: chr5-37226643-A-C.
Other names: c.2054T>G, p.Leu685Arg (NM_023073.4); short protein forms L685R.
Identifiers: ClinVar variation 1003870 (VCV001003870.8), dbSNP rs1796505859, ClinGen allele CA359497001.
Genomic context (GRCh38, chr5:37,226,541, plus strand): 5'-AGAATGTATACACCATTTAAATTGTCAGCTACCATTTTGAGTAAATAAAAACAAGCTAAA[A>C]GTTTCTCTGAGAATAACTGACCCTTTTGTTGCTGAGTCAGCAAAAGTTTTACAGTATTTG-3'
Protein context (NP_001371661.1, residues 675-695): QQKGQLFSEK[Leu685Arg]LACFYLLKMV

ClinVar aggregate classification (germline): Uncertain significance (1 of 4 stars; one submission).

Submission:

Labcorp Genetics (formerly Invitae), Labcorp
Classification: Uncertain significance. Last evaluated: 2018-03-14. Review status: criteria provided, single submitter. Criteria: Invitae Variant Classification Sherloc (09022015). Collection method: clinical testing. Allele origin: germline.
Comment: This sequence change replaces leucine with arginine at codon 685 of the C5orf42 protein (p.Leu685Arg). The leucine residue is weakly conserved and there is a moderate physicochemical difference between leucine and arginine. This variant is not present in population databases (ExAC no frequency). This variant has not been reported in the literature in individuals with C5orf42-related disease. Algorithms developed to predict the effect of missense changes on protein structure and function do not agree on the potential impact of this missense change (SIFT: "Deleterious"; PolyPhen-2: "Probably Damaging"; Align-GVGD: "Class C0"). In summary, the available evidence is currently insufficient to determine the role of this variant in disease. Therefore, it has been classified as a Variant of Uncertain Significance.